The following is an entry in ClinVar:

NM_022336.4(EDAR):c.764T>G (p.Phe255Cys)

Genes: EDAR (ectodysplasin A receptor; minus strand), RANBP2 (RAN binding protein 2; plus strand). Cytogenetic location: 2q13.
Variant type: single nucleotide variant.
Coding change: c.764T>G on transcript NM_022336.4 (MANE Select); coding-DNA position 764, T replaced by G.
Protein change: p.Phe255Cys; replaces phenylalanine 255 with cysteine.
Molecular consequence: missense variant.
Genome position (GRCh38, 1-based): chr2:108,910,499, A>C on the plus strand (T>G on the coding strand, the complement: EDAR is on the minus strand). VCF-style: chr2-108910499-A-C. GRCh37 (hg19) VCF-style: chr2-109526955-A-C.
Other names: short protein forms F255C.
Identifiers: ClinVar variation 4782711 (VCV004782711.1).

ClinVar aggregate classification (germline): Uncertain significance (1 of 4 stars; one submission).

Conditions:
Ectodermal dysplasia 10A, hypohidrotic/hair/nail type, autosomal dominant (ECTD10A). Also called: Ectodermal Dysplasia 3, Anhidrotic. Identifiers: Orphanet 1810, Orphanet 238468, MedGen C3888065, MONDO:0007509, OMIM 129490.
Autosomal recessive hypohidrotic ectodermal dysplasia syndrome. Also called: Autosomal recessive hypohidrotic ectodermal dysplasia. Identifiers: Orphanet 248, MedGen C0406702, MONDO:0016619.

Submission:

Labcorp Genetics (formerly Invitae), Labcorp
Classification: Uncertain significance for Ectodermal dysplasia 10A, hypohidrotic/hair/nail type, autosomal dominant; Autosomal recessive hypohidrotic ectodermal dysplasia syndrome. Last evaluated: 2025-12-22. Review status: criteria provided, single submitter. Criteria: Invitae Variant Classification Sherloc (09022015). Collection method: clinical testing. Allele origin: germline.
Comment: This sequence change replaces phenylalanine, which is neutral and non-polar, with cysteine, which is neutral and slightly polar, at codon 255 of the EDAR protein (p.Phe255Cys). This variant is not present in population databases (gnomAD no frequency). This variant has not been reported in the literature in individuals affected with EDAR-related conditions. Invitae Evidence Modeling of protein sequence and biophysical properties (such as structural, functional, and spatial information, amino acid conservation, physicochemical variation, residue mobility, and thermodynamic stability) indicates that this missense variant is not expected to disrupt EDAR protein function with a negative predictive value of 80%. In summary, the available evidence is currently insufficient to determine the role of this variant in disease. Therefore, it has been classified as a Variant of Uncertain Significance.